The following is an entry in ClinVar:

ClinVar aggregate classification (germline): Likely benign (1 of 4 stars; one submission).

gnomAD v4.1: 111 of 1,613,412 alleles (0.0069%); highest among the groups gnomAD compares: Non-Finnish European, 0.0089%; no homozygotes.

Submission:

Mayo Clinic Laboratories, Mayo Clinic
Classification: Likely benign. Last evaluated: 2025-05-20. Review status: criteria provided, single submitter. Criteria: ACMG Guidelines, 2015. Collection method: clinical testing. Allele origin: germline. Observed: 1 variant allele.
Comment: BP4, BP7

NM_001530.4(HIF1A):c.2437C>T (p.Leu813=)

Genes: HIF1A (hypoxia inducible factor 1 subunit alpha; plus strand), HIF1A-AS2 (HIF1A antisense RNA 2; minus strand), HIF1A-AS3 (HIF1A antisense RNA 3; minus strand). Cytogenetic location: 14q23.2.
Variant type: single nucleotide variant.
Coding change: c.2437C>T on transcript NM_001530.4 (MANE Select); coding-DNA position 2437, C replaced by T.
Protein change: p.Leu813=; no amino-acid change (leucine 813 retained).
Molecular consequence: synonymous variant. On other transcripts: non-coding transcript variant (1), 3 prime UTR variant (1).
Genome position (GRCh38, 1-based): chr14:61,747,041, C>T. VCF-style: chr14-61747041-C-T. GRCh37 (hg19) VCF-style: chr14-62213759-C-T.
Other names: p.Leu813=; c.2509C>T, p.Leu837= (NM_001243084.2); c.*102C>T (NM_181054.3).
Identifiers: ClinVar variation 4683860 (VCV004683860.1).